The following is an entry in ClinVar:

NM_000106.6(CYP2D6):c.886C>T (p.Arg296Cys)

Gene: CYP2D6 (cytochrome P450 family 2 subfamily D member 6 (gene/pseudogene); minus strand). Cytogenetic location: 22q13.2.
Variant type: single nucleotide variant.
Coding change: c.886C>T on transcript NM_000106.6 (MANE Select); coding-DNA position 886, C replaced by T.
Protein change: p.Arg296Cys; replaces arginine 296 with cysteine.
Molecular consequence: missense variant.
Genome position (GRCh38, 1-based): chr22:42,127,941, G>A on the plus strand (C>T on the coding strand, the complement: CYP2D6 is on the minus strand). VCF-style: chr22-42127941-G-A. GRCh37 (hg19) VCF-style: chr22-42523943-A-A.
Other names: CYP2D6*17; c.733C>T, p.Arg245Cys (NM_001025161.3); short protein forms R296C, R245C.
Identifiers: ClinVar variation 242771 (VCV000242771.4), dbSNP rs16947, ClinGen allele CA039022.

ClinVar aggregate classification (germline): Benign. Review status: criteria provided, multiple submitters, no conflicts (2 of 4 stars). 2 submissions from 2 submitters: Benign (2). Last evaluated 2024-04-04.

Allele frequency attached by ClinVar (database versions not stated): TOPMed 0.38576; 1000 Genomes Project 30x 0.36758.
gnomAD v4.1: 549,079 of 1,610,098 alleles (34%); highest among the groups gnomAD compares: African/African-American, 52%; 108,422 homozygotes.

Submissions (2):

Labcorp Genetics (formerly Invitae), Labcorp
Classification: Benign. Last evaluated: 2024-04-04. Review status: criteria provided, single submitter. Criteria: Invitae Variant Classification Sherloc (09022015). Collection method: clinical testing. Allele origin: germline.

GeneDx
Classification: Benign. Last evaluated: 2018-02-27. Review status: criteria provided, single submitter. Criteria: GeneDx Variant Classification (06012015). Collection method: clinical testing. Allele origin: germline. Affected: yes.
Comment: This variant is considered likely benign or benign based on one or more of the following criteria: it is a conservative change, it occurs at a poorly conserved position in the protein, it is predicted to be benign by multiple in silico algorithms, and/or has population frequency not consistent with disease.